The following is an entry in ClinVar:

ClinVar aggregate classification (germline): Uncertain significance (1 of 4 stars; one submission).

gnomAD v4.1: 9 of 1,614,224 alleles (0.00056%); highest among the groups gnomAD compares: African/African-American, 0.012%; no homozygotes.

Submission:

Dasa
Classification: Uncertain significance. Last evaluated: 2026-02-20. Review status: criteria provided, single submitter. Criteria: DASA Assertion Criteria. Collection method: clinical testing. Allele origin: germline.
Comment: NM_001135629.3(PPP1R21):c.1818T>G (p.Asn606Lys) is a missense variant that results in the substitution of asparagine with lysine. This variant is rare in population databases. Computational prediction algorithms are consistent with a benign effect. The currently available literature and clinical evidence are not sufficient to establish a definitive association between this variant and the reported condition. Therefore, this variant is classified as a variant of uncertain significance.

NM_001135629.3(PPP1R21):c.1818T>G (p.Asn606Lys)

Gene: PPP1R21 (protein phosphatase 1 regulatory subunit 21; plus strand). Cytogenetic location: 2p16.3.
Variant type: single nucleotide variant.
Coding change: c.1818T>G on transcript NM_001135629.3 (MANE Select); coding-DNA position 1818, T replaced by G.
Protein change: p.Asn606Lys; replaces asparagine 606 with lysine.
Molecular consequence: missense variant. On other transcripts: non-coding transcript variant (1).
Genome position (GRCh38, 1-based): chr2:48,498,618, T>G. VCF-style: chr2-48498618-T-G. GRCh37 (hg19) VCF-style: chr2-48725757-T-G.
Other names: c.1725T>G, p.Asn575Lys (NM_001193475.2); c.1818T>G, p.Asn606Lys (NM_152994.5); short protein forms N575K, N606K.
Identifiers: ClinVar variation 4881932 (VCV004881932.2).